The following is an entry in ClinVar:

ClinVar aggregate classification (germline): Conflicting classifications of pathogenicity. Review status: criteria provided, conflicting classifications (1 of 4 stars). 2 submissions from 2 submitters: Likely pathogenic (1); Uncertain significance (1). Last evaluated 2025-08-06.

Conditions:
Liang-Wang syndrome. Identifiers: Orphanet 664438, MedGen C5231479, MONDO:0032886, OMIM 618729.
Generalized epilepsy-paroxysmal dyskinesia syndrome (PNKD3). Also called: Generalized epilepsy and paroxysmal dyskinesia; Paroxysmal nonkinesigenic dyskinesia, 3, with or without generalized epilepsy. Identifiers: Orphanet 79137, MedGen C5574945, MONDO:0012276, OMIM 609446.

Submissions (2):

Labcorp Genetics (formerly Invitae), Labcorp
Classification: Uncertain significance for Generalized epilepsy-paroxysmal dyskinesia syndrome. Last evaluated: 2025-08-06. Review status: criteria provided, single submitter. Criteria: Invitae Variant Classification Sherloc (09022015). Collection method: clinical testing. Allele origin: germline.
Comment: This sequence change replaces aspartic acid, which is acidic and polar, with asparagine, which is neutral and polar, at codon 238 of the KCNMA1 protein (p.Asp238Asn). This variant is not present in population databases (gnomAD no frequency). This variant has not been reported in the literature in individuals affected with KCNMA1-related conditions. ClinVar contains an entry for this variant (Variation ID: 2789717). Invitae Evidence Modeling of protein sequence and biophysical properties (such as structural, functional, and spatial information, amino acid conservation, physicochemical variation, residue mobility, and thermodynamic stability) indicates that this missense variant is not expected to disrupt KCNMA1 protein function with a negative predictive value of 80%. In summary, the available evidence is currently insufficient to determine the role of this variant in disease. Therefore, it has been classified as a Variant of Uncertain Significance.

Victorian Clinical Genetics Services, Murdoch Childrens Research Institute
Classification: Likely pathogenic for Liang-Wang syndrome. Last evaluated: 2025-06-18. Review status: criteria provided, single submitter. Criteria: ACMG Guidelines, 2015. Collection method: clinical testing. Allele origin: germline. Affected: yes.
Comment: This variant is classified as Likely pathogenic. Evidence in support of pathogenic classification: Variant is absent from gnomAD (v2, v3 and v4); Missense variant in a region that is highly intolerant to missense variation (high constraint region in DECIPHER); Additional information: Variant is predicted to result in a missense amino acid change from aspartic acid to asparagine; This variant is heterozygous; This gene is associated with both recessive and dominant disease. Biallelic individuals are mostly reported to have CADEDS (OMIM); Alternative amino acid change(s) at the same position are present in gnomAD (highest allele count: v4: 1 heterozygote(s), 0 homozygote(s)); Previous evidence of pathogenicity for this variant is inconclusive. This variant has been classified as a VUS by a clinical laboratory in ClinVar. - No published segregation evidence has been identified for this variant; No published functional evidence has been identified for this variant; No comparable missense variants have previous evidence for pathogenicity; Missense variant with inconclusive in silico prediction and uninformative conservation; Loss of function and gain of function are known mechanisms of disease in this gene and are associated with cerebellar atrophy, developmental delay, and seizures (CADEDS; MIM#617643), and paroxysmal nonkinesigenic dyskinesia, 3 with or without generalized epilepsy (PNKD3; MIM#609446), respectively (OMIM). Missense variants have been reported in individuals with PNKD3, while those resulting in a premature termination codon and rare missense variants have been reported in biallelic individuals with CADEDS (PMID: 31152168, PMID: 29330545). Additionally, missense variants causing Liang-Wang syndrome (MIM#618729) have been functionally proven to have a loss of function effect; however, a dominant negative mechanism is speculated (PMID: 31152168).

Literature cited by the submitters: PubMed 29330545 (cited by Victorian Clinical Genetics Services, Murdoch Childrens Research Institute); PubMed 31152168 (cited by Victorian Clinical Genetics Services, Murdoch Childrens Research Institute).

NM_001161352.2(KCNMA1):c.712G>A (p.Asp238Asn)

Gene: KCNMA1 (potassium calcium-activated channel subfamily M alpha 1; minus strand). Cytogenetic location: 10q22.3.
Variant type: single nucleotide variant.
Coding change: c.712G>A on transcript NM_001161352.2 (MANE Select); coding-DNA position 712, G replaced by A.
Protein change: p.Asp238Asn; replaces aspartic acid 238 with asparagine.
Molecular consequence: missense variant.
Genome position (GRCh38, 1-based): chr10:77,183,517, C>T on the plus strand (G>A on the coding strand, the complement: KCNMA1 is on the minus strand). VCF-style: chr10-77183517-C-T. GRCh37 (hg19) VCF-style: chr10-78943275-C-T.
Other names: c.712G>A, p.Asp238Asn (NM_001014797.3, NM_001161353.2, NM_001271519.2 and 8 more transcripts); c.550G>A, p.Asp184Asn (NM_001271518.2); c.172G>A, p.Asp58Asn (NM_001322838.2); short protein forms D184N, D58N, D238N.
Identifiers: ClinVar variation 2789717 (VCV002789717.5), dbSNP rs2551803002, ClinGen allele CA377410483.